The following is an entry in ClinVar:

NM_001330260.2(SCN8A):c.3991C>G (p.Leu1331Val)

Gene: SCN8A (sodium voltage-gated channel alpha subunit 8; plus strand). Cytogenetic location: 12q13.13.
Variant type: single nucleotide variant.
Coding change: c.3991C>G on transcript NM_001330260.2 (MANE Select); coding-DNA position 3991, C replaced by G.
Protein change: p.Leu1331Val; replaces leucine 1331 with valine.
Molecular consequence: missense variant.
Genome position (GRCh38, 1-based): chr12:51,786,590, C>G. VCF-style: chr12-51786590-C-G. GRCh37 (hg19) VCF-style: chr12-52180374-C-G.
Other names: c.3868C>G, p.Leu1290Val (NM_001177984.3, NM_001369788.1); c.3991C>G, p.Leu1331Val (NM_014191.4); short protein forms L1290V, L1331V.
Identifiers: ClinVar variation 60709 (VCV000060709.6), dbSNP rs397514738, ClinGen allele CA144634.

ClinVar aggregate classification (germline): Pathogenic. Review status: no assertion criteria provided (0 of 4 stars). 2 submissions from 2 submitters: Pathogenic (1). 1 of the submissions does not count toward it. Last evaluated 2013-07-01.

Conditions:
Developmental and epileptic encephalopathy, 13 (DEE13). Also called: Early infantile epileptic encephalopathy 13; SCN8A-Related Epilepsy; Developmental and Epileptic Encephalopathy (SCN8A-DEE). Identifiers: Orphanet 442835, MedGen C3281191, MONDO:0013801, OMIM 614558.

Submissions (3):

OMIM
Classification: Pathogenic for DEVELOPMENTAL AND EPILEPTIC ENCEPHALOPATHY 13. Last evaluated: 2013-07-01. Review status: no assertion criteria provided. Collection method: literature only. Allele origin: unknown.

Channelopathy-Associated Epilepsy Research Center
No classification provided (evidence only). Condition: Complex neurodevelopmental disorder. Review status: no classification provided. Collection method: literature only. Allele origin: not applicable. Functional consequence: Normal persistent current, Depolarizing shift of voltage dependence of slow inactivation, Increase in resurgent current, Normal voltage dependence of activation, Overall gain-of-function effect with respect to biophysical channel activity. Not counted in ClinVar's aggregate classification.
ClinVar note: "not provided" was previously submitted as the classification for the variant. However, the classification appeared to be based only on an observation of functional data so it was converted to no classification on 2025-07-30.

GeneReviews
No classification provided. Condition: Developmental and epileptic encephalopathy, 13. Review status: no classification provided. Collection method: literature only. Allele origin: germline. Affected: yes. Not counted in ClinVar's aggregate classification.

Literature cited by the submitters: PubMed 23708187 (cited by OMIM and GeneReviews); PubMed 27267376 (cited by Channelopathy-Associated Epilepsy Research Center); NCBI Bookshelf NBK379665 (cited by GeneReviews).